The following is an entry in ClinVar:

NM_001370658.1(BTD):c.304A>G (p.Arg102Gly)

Gene: BTD (biotinidase; plus strand). Cytogenetic location: 3p25.1.
Variant type: single nucleotide variant.
Coding change: c.304A>G on transcript NM_001370658.1 (MANE Select); coding-DNA position 304, A replaced by G.
Protein change: p.Arg102Gly; replaces arginine 102 with glycine.
Molecular consequence: missense variant.
Genome position (GRCh38, 1-based): chr3:15,641,962, A>G. VCF-style: chr3-15641962-A-G. GRCh37 (hg19) VCF-style: chr3-15683469-A-G.
Other names: c.364A>G, p.Arg122Gly (NM_000060.4); c.304A>G, p.Arg102Gly (NM_001281723.4, NM_001281724.3, NM_001281725.3 and 36 more transcripts); c.367A>G, p.Arg123Gly (NM_001407381.1); short protein forms R102G, R123G.
Identifiers: ClinVar variation 25001 (VCV000025001.14), dbSNP rs397514354, ClinGen allele CA278195.

ClinVar aggregate classification (germline): Conflicting classifications of pathogenicity. Review status: criteria provided, conflicting classifications (1 of 4 stars). 5 submissions from 5 submitters: Pathogenic (1); Likely pathogenic (1); Uncertain significance (2). 1 of the submissions does not count toward it. Last evaluated 2025-01-13.

Conditions:
Biotinidase deficiency. Also called: BTD deficiency; Late-onset biotin-responsive multiple carboxylase deficiency; Biotin deficiency. Identifiers: Orphanet 79241, MedGen C0220754, MONDO:0009665, OMIM 253260.

Allele frequency attached by ClinVar (database versions not stated): gnomAD exomes below 0.00001.
gnomAD v4.1: 3 of 1,614,038 alleles (0.00019%); highest among the groups gnomAD compares: Non-Finnish European, 0.00025%; no homozygotes.

Submissions (5):

Dasa
Classification: Likely pathogenic. Last evaluated: 2025-01-13. Review status: criteria provided, single submitter. Criteria: DASA Assertion Criteria. Collection method: clinical testing. Allele origin: germline.
Comment: NM_001370658.1(BTD):c.304A>G (p.Arg102Gly) is a missense variant that results in the substitution of arginine with glycine. This variant has been recurrently observed in individuals with BTD-related disorders (PMID: 10400129; PMID: 16435182; PMID: 27329734). Also, this variant is rare in population databases. Computational evidence supports a deleterious effect. Based on the currently available evidence, this variant is classified as likely pathogenic.

Women's Health and Genetics/Laboratory Corporation of America, LabCorp
Classification: Uncertain significance. Last evaluated: 2024-12-27. Review status: criteria provided, single submitter. Criteria: LabCorp Variant Classification Summary - May 2015. Collection method: clinical testing. Allele origin: germline.
Comment: Variant summary: BTD c.304A>G (p.Arg102Gly) results in a non-conservative amino acid change in the encoded protein sequence. Five of five in-silico tools predict a damaging effect of the variant on protein function. The frequency data for this variant in gnomAD is considered unreliable, as metrics indicate poor data quality at this position. c.304A>G has been reported in the literature in individuals affected with Biotinidase Deficiency (e.g. Norrgard_1999, Wiltink_2016, Carvalho_2020). These data indicate that the variant may be associated with disease. To our knowledge, no experimental evidence demonstrating an impact on protein function has been reported. The following publications have been ascertained in the context of this evaluation (PMID: 10400129, 27329734, 31801038). ClinVar contains an entry for this variant (Variation ID: 25001). Based on the evidence outlined above, the variant was classified as VUS-possibly pathogenic.

Mendelics
Classification: Pathogenic for Biotinidase deficiency. Last evaluated: 2022-05-04. Review status: criteria provided, single submitter. Criteria: Mendelics Assertion Criteria 2019. Collection method: clinical testing. Allele origin: germline.

ARUP Laboratories, Molecular Genetics and Genomics, ARUP Laboratories
Classification: Uncertain significance. Last evaluated: 2018-04-27. Review status: criteria provided, single submitter. Criteria: ARUP Molecular Germline Variant Investigation Process. Collection method: clinical testing. Allele origin: germline.
Comment: The BTD c.364A>G; p.Arg122Gly variant (rs397514354) is reported in the literature in an individual who was compound heterozygous and affected with profound biotinidase deficiency (Norrgard 1999). This variant is absent from the general population databases (1000 Genomes Project, Exome Variant Server, and Genome Aggregation Database), indicating it is not a common polymorphism. The arginine at codon 122 is highly conserved, and computational analyses (SIFT, PolyPhen-2) predict that this variant is deleterious. However, due to limited information, the clinical significance of the p.Arg122Gly variant is uncertain at this time. REFERENCES Norrgard KJ et al. Mutations causing profound biotinidase deficiency in children ascertained by newborn screening in the United States occur at different frequencies than in symptomatic children. Pediatr Res. 1999 Jul;46(1):20-7.

Counsyl
Classification: Uncertain significance for Biotinidase deficiency. Last evaluated: 2018-04-02. Review status: no assertion criteria provided. Collection method: clinical testing. Allele origin: unknown. Not counted in ClinVar's aggregate classification.

Literature cited by the submitters: PubMed 10400129 (cited by 3 submitters); PubMed 16435182 (cited by Dasa); PubMed 27329734 (cited by 3 submitters); PubMed 31801038 (cited by Women's Health and Genetics/Laboratory Corporation of America, LabCorp); PubMed 20556795 (cited by Counsyl).